The following is an entry in ClinVar:

ClinVar aggregate classification (germline): Pathogenic/Likely pathogenic. Review status: criteria provided, multiple submitters, no conflicts (2 of 4 stars). 2 submissions from 2 submitters: Pathogenic (1); Likely pathogenic (1). Last evaluated 2024-03-27.

Conditions:
Bartter disease type 1. Also called: HYPERPROSTAGLANDIN E SYNDROME 1; Bartter syndrome, type 1, antenatal; HYPOKALEMIC ALKALOSIS WITH HYPERCALCIURIA 1, ANTENATAL; Bartter Syndrome type 1. Identifiers: Orphanet 112, Orphanet 620217, MedGen C1866495, MONDO:0100344, OMIM 601678, MONDO:0011127.

Submissions (2):

Fulgent Genetics
Classification: Likely pathogenic for Bartter disease type 1. Last evaluated: 2024-03-27. Review status: criteria provided, single submitter. Criteria: ACMG Guidelines, 2015. Collection method: clinical testing. Allele origin: germline.

Labcorp Genetics (formerly Invitae), Labcorp
Classification: Pathogenic. Last evaluated: 2023-07-15. Review status: criteria provided, single submitter. Criteria: Invitae Variant Classification Sherloc (09022015). Collection method: clinical testing. Allele origin: germline.
Comment: This variant has not been reported in the literature in individuals affected with SLC12A1-related conditions. For these reasons, this variant has been classified as Pathogenic. The frequency data for this variant in the population databases is considered unreliable, as metrics indicate poor data quality at this position in the gnomAD database. This sequence change creates a premature translational stop signal (p.Val283Serfs*5) in the SLC12A1 gene. It is expected to result in an absent or disrupted protein product. Loss-of-function variants in SLC12A1 are known to be pathogenic (PMID: 8640224, 9585600, 19096086).

Literature cited by the submitters: PubMed 8640224 (cited by Labcorp Genetics (formerly Invitae), Labcorp); PubMed 9585600 (cited by Labcorp Genetics (formerly Invitae), Labcorp); PubMed 19096086 (cited by Labcorp Genetics (formerly Invitae), Labcorp).

NM_000338.3(SLC12A1):c.847_848del (p.Val283fs)

Gene: SLC12A1 (solute carrier family 12 member 1; plus strand). Cytogenetic location: 15q21.1.
Variant type: Deletion.
Coding change: c.847_848del on transcript NM_000338.3 (MANE Select); coding-DNA positions 847 to 848, 2 bases deleted (GT; older notation c.847_848delGT).
Protein change: p.Val283fs; shifts the reading frame from valine 283.
Molecular consequence: frameshift variant.
Genome position (GRCh38, 1-based): chr15:48,229,311-48,229,312, GT deleted; deleting any 2 consecutive bases within chr15:48,229,310-48,229,312 gives the same sequence; the c. name uses the placement nearest the transcript's 3' end. VCF-style (leftmost placement, unchanged base first): chr15-48229309-CTG-C. GRCh37 (hg19) VCF-style: chr15-48521506-CTG-C.
Other names: c.847_848del, p.Val283fs (NM_001184832.2, NM_001384136.1); short protein forms V283fs.
Identifiers: ClinVar variation 2963069 (VCV002963069.4), dbSNP rs1567311211, ClinGen allele CA617822477.